The following is an entry in ClinVar:

NM_003038.5(SLC1A4):c.1590G>A (p.Ser530=)

Gene: SLC1A4 (solute carrier family 1 member 4; plus strand). Cytogenetic location: 2p14.
Variant type: single nucleotide variant.
Coding change: c.1590G>A on transcript NM_003038.5 (MANE Select); coding-DNA position 1590, G replaced by A.
Protein change: p.Ser530=; no amino-acid change (serine 530 retained).
Molecular consequence: synonymous variant.
Genome position (GRCh38, 1-based): chr2:65,021,137, G>A. VCF-style: chr2-65021137-G-A. GRCh37 (hg19) VCF-style: chr2-65248271-G-A.
Other names: c.696G>A, p.Ser232= (NM_001193493.2); c.930G>A, p.Ser310= (NM_001348406.2, NM_001348407.2).
Identifiers: ClinVar variation 1170081 (VCV001170081.15), dbSNP rs7563131, ClinGen allele CA1686207.

ClinVar aggregate classification (germline): Benign/Likely benign. Review status: criteria provided, multiple submitters, no conflicts (2 of 4 stars). 5 submissions from 5 submitters: Benign (3); Likely benign (1). 1 of the submissions does not count toward it. Last evaluated 2026-02-04.

Conditions:
SLC1A4-related disorder. Also called: SLC1A4-related condition.

Allele frequency attached by ClinVar (database versions not stated): gnomAD exomes 0.11796 and 0.12696; ExAC 0.12406; 1000 Genomes Project 0.12879; 1000 Genomes Project 30x 0.13585; gnomAD 0.16323 and 0.16819; TOPMed 0.16715; ESP Exome Variant Server 0.18099.
gnomAD v4.1: 210,604 of 1,612,988 alleles (13%); highest among the groups gnomAD compares: African/African-American, 28%; 15,171 homozygotes.

Submissions (5):

Labcorp Genetics (formerly Invitae), Labcorp
Classification: Benign. Last evaluated: 2026-02-04. Review status: criteria provided, single submitter. Criteria: Invitae Variant Classification Sherloc (09022015). Collection method: clinical testing. Allele origin: germline.

Blueprint Genetics
Classification: Likely benign. Last evaluated: 2024-11-26. Review status: criteria provided, single submitter. Criteria: ACMG Guidelines, 2015. Collection method: clinical testing. Allele origin: germline.

GeneDx
Classification: Benign. Last evaluated: 2020-12-17. Review status: criteria provided, single submitter. Criteria: GeneDx Variant Classification Process June 2021. Collection method: clinical testing. Allele origin: germline. Affected: yes.

Breakthrough Genomics
Classification: Benign. Review status: criteria provided, single submitter. Criteria: ACMG Guidelines, 2015. Collection method: not provided. Allele origin: germline. Inheritance: Autosomal recessive inheritance. Affected: yes.

PreventionGenetics, part of Exact Sciences
Classification: Benign for SLC1A4-related condition. Last evaluated: 2019-10-25. Review status: no assertion criteria provided. Collection method: clinical testing. Allele origin: germline. Not counted in ClinVar's aggregate classification.
Comment: This variant is classified as benign based on ACMG/AMP sequence variant interpretation guidelines (Richards et al. 2015 PMID: 25741868, with internal and published modifications).